The following is an entry in ClinVar:

ClinVar aggregate classification (germline): Uncertain significance (1 of 4 stars; one submission).

Conditions:
Arrhythmogenic right ventricular dysplasia 9 (ARVD9). Also called: Arrhythmogenic Right Ventricular Dysplasia/Cardiomyopathy 9; ARRHYTHMOGENIC RIGHT VENTRICULAR DYSPLASIA, FAMILIAL, 9. Identifiers: MedGen C1836906, MONDO:0012180, OMIM 609040.

Allele frequency attached by ClinVar (database versions not stated): gnomAD exomes below 0.00001.

Submission:

Labcorp Genetics (formerly Invitae), Labcorp
Classification: Uncertain significance for Arrhythmogenic right ventricular dysplasia 9. Last evaluated: 2025-02-05. Review status: criteria provided, single submitter. Criteria: Invitae Variant Classification Sherloc (09022015). Collection method: clinical testing. Allele origin: germline.
Comment: This sequence change replaces arginine, which is basic and polar, with tryptophan, which is neutral and slightly polar, at codon 55 of the PKP2 protein (p.Arg55Trp). This variant is not present in population databases (gnomAD no frequency). This variant has not been reported in the literature in individuals affected with PKP2-related conditions. ClinVar contains an entry for this variant (Variation ID: 2150083). An algorithm developed to predict the effect of missense changes on protein structure and function (PolyPhen-2) suggests that this variant is likely to be disruptive. In summary, the available evidence is currently insufficient to determine the role of this variant in disease. Therefore, it has been classified as a Variant of Uncertain Significance.

NM_001005242.3(PKP2):c.163C>T (p.Arg55Trp)

Gene: PKP2 (plakophilin 2; minus strand). Cytogenetic location: 12p11.21.
Variant type: single nucleotide variant.
Coding change: c.163C>T on transcript NM_001005242.3 (MANE Select); coding-DNA position 163, C replaced by T.
Protein change: p.Arg55Trp; replaces arginine 55 with tryptophan.
Molecular consequence: missense variant.
Genome position (GRCh38, 1-based): chr12:32,896,569, G>A on the plus strand (C>T on the coding strand, the complement: PKP2 is on the minus strand). VCF-style: chr12-32896569-G-A. GRCh37 (hg19) VCF-style: chr12-33049503-G-A.
Other names: c.163C>T, p.Arg55Trp (NM_001407155.1, NM_001407156.1, NM_001407157.1 and 2 more transcripts); c.-664C>T (NM_001407158.1, NM_001407162.1); c.-428C>T (NM_001407159.1, NM_001407160.1); short protein forms R55W.
Identifiers: ClinVar variation 2150083 (VCV002150083.3), dbSNP rs2541384358, ClinGen allele CA384370962.